The following is an entry in ClinVar:

ClinVar aggregate classification (germline): Uncertain significance (1 of 4 stars; one submission).

Conditions:
Epileptic encephalopathy. Identifiers: MedGen C0543888, HP:0200134.

Submission:

Labcorp Genetics (formerly Invitae), Labcorp
Classification: Uncertain significance for Epileptic encephalopathy. Last evaluated: 2020-05-11. Review status: criteria provided, single submitter. Criteria: Invitae Variant Classification Sherloc (09022015). Collection method: clinical testing. Allele origin: germline.
Comment: This variant, c.4483_4485del, results in the deletion of 1 amino acid(s) of the FASN protein (p.Lys1495del), but otherwise preserves the integrity of the reading frame. In summary, the available evidence is currently insufficient to determine the role of this variant in disease. Therefore, it has been classified as a Variant of Uncertain Significance. Algorithms developed to predict the effect of sequence changes on RNA splicing suggest that this variant may create or strengthen a splice site, but this prediction has not been confirmed by published transcriptional studies. This variant has not been reported in the literature in individuals with FASN-related conditions. This variant is not present in population databases (ExAC no frequency).

NM_004104.5(FASN):c.4483_4485del (p.Lys1495del)

Gene: FASN (fatty acid synthase; minus strand). Cytogenetic location: 17q25.3.
Variant type: Deletion.
Coding change: c.4483_4485del on transcript NM_004104.5 (MANE Select); coding-DNA positions 4483 to 4485, 3 bases deleted (AAG; older notation c.4483_4485delAAG).
Protein change: p.Lys1495del; deletes lysine 1495.
Molecular consequence: inframe deletion.
Genome position (GRCh38, 1-based): chr17:82,084,878-82,084,880, CTT deleted on the plus strand (AAG on the coding strand, the reverse complement: FASN is on the minus strand); deleting any 3 consecutive bases within chr17:82,084,878-82,084,882 gives the same sequence; the c. name uses the placement nearest the transcript's 3' end. VCF-style (leftmost placement, unchanged base first): chr17-82084877-CCTT-C. GRCh37 (hg19) VCF-style: chr17-80042753-CCTT-C.
Other names: short protein forms K1495del.
Identifiers: ClinVar variation 1062278 (VCV001062278.9), dbSNP rs2034061491, ClinGen allele CA986908517.
Genomic context (GRCh38, chr17:82,084,877, plus strand): 5'-GGCGGAAAGCCCCCCAGGCCCCGTCGCGGTAGACGTTCATCACCAGGTCTCCCTGCAACA[CCTT>C]CTGCAGTTCTGCGGAGCCCGGGTCCACCTCCGGGACGTGGGAGGTGCTGCTGAGGTTGGA-3'